The following is an entry in ClinVar:

ClinVar aggregate classification (germline): Uncertain significance (1 of 4 stars; one submission).

Conditions:
Nemaline myopathy 2 (NEM2). Also called: Nemaline myopathy 2, autosomal recessive. Identifiers: MedGen C1850569, MONDO:0009725, OMIM 256030.

Submission:

Labcorp Genetics (formerly Invitae), Labcorp
Classification: Uncertain significance for Nemaline myopathy 2. Last evaluated: 2022-08-16. Review status: criteria provided, single submitter. Criteria: Invitae Variant Classification Sherloc (09022015). Collection method: clinical testing. Allele origin: germline.
Comment: This sequence change replaces glycine, which is neutral and non-polar, with aspartic acid, which is acidic and polar, at codon 141 of the NEB protein (p.Gly141Asp). This variant is not present in population databases (gnomAD no frequency). This variant has not been reported in the literature in individuals affected with NEB-related conditions. ClinVar contains an entry for this variant (Variation ID: 534026). Algorithms developed to predict the effect of missense changes on protein structure and function are either unavailable or do not agree on the potential impact of this missense change (SIFT: "Deleterious"; PolyPhen-2: "Not Available"; Align-GVGD: "Class C0"). In summary, the available evidence is currently insufficient to determine the role of this variant in disease. Therefore, it has been classified as a Variant of Uncertain Significance.

NM_001164508.2(NEB):c.422G>A (p.Gly141Asp)

Gene: NEB (nebulin; minus strand). Cytogenetic location: 2q23.3.
Variant type: single nucleotide variant.
Coding change: c.422G>A on transcript NM_001164508.2 (MANE Select); coding-DNA position 422, G replaced by A.
Protein change: p.Gly141Asp; replaces glycine 141 with aspartic acid.
Molecular consequence: missense variant.
Genome position (GRCh38, 1-based): chr2:151,724,942, C>T on the plus strand (G>A on the coding strand, the complement: NEB is on the minus strand). VCF-style: chr2-151724942-C-T. GRCh37 (hg19) VCF-style: chr2-152581456-C-T.
Other names: c.422G>A, p.Gly141Asp (NM_001164507.2, NM_001271208.2, NM_004543.5); short protein forms G141D.
Identifiers: ClinVar variation 534026 (VCV000534026.6), dbSNP rs973669056, ClinGen allele CA348792828.